The following is an entry in ClinVar:

ClinVar aggregate classification (germline): Uncertain significance. Review status: criteria provided, multiple submitters, no conflicts (2 of 4 stars). 2 submissions from 2 submitters: Uncertain significance (2). Last evaluated 2023-05-27.

Conditions:
Hereditary cancer-predisposing syndrome. Also called: Tumor predisposition; Hereditary Cancer Syndrome; Hereditary neoplastic syndrome; Neoplastic Syndromes, Hereditary. Identifiers: Orphanet 140162, MedGen C0027672, MeSH D009386, MONDO:0015356.
Familial cancer of breast. Also called: hereditary breast carcinoma; BREAST CANCER, FAMILIAL; Hereditary breast cancer. Identifiers: Orphanet 227535, MedGen C0346153, MONDO:0016419, OMIM 114480. Disease mechanism: loss of function.

Submissions (2):

Ambry Genetics
Classification: Uncertain significance for Hereditary cancer-predisposing syndrome. Last evaluated: 2023-05-27. Review status: criteria provided, single submitter. Criteria: Ambry Variant Classification Scheme 2023. Collection method: clinical testing. Allele origin: germline.
Comment: The p.G256D variant (also known as c.767G>A), located in coding exon 4 of the BARD1 gene, results from a G to A substitution at nucleotide position 767. The glycine at codon 256 is replaced by aspartic acid, an amino acid with similar properties. This amino acid position is conserved. In addition, this alteration is predicted to be tolerated by in silico analysis. Since supporting evidence is limited at this time, the clinical significance of this alteration remains unclear.

Labcorp Genetics (formerly Invitae), Labcorp
Classification: Uncertain significance for Familial cancer of breast. Last evaluated: 2023-03-20. Review status: criteria provided, single submitter. Criteria: Invitae Variant Classification Sherloc (09022015). Collection method: clinical testing. Allele origin: germline.
Comment: In summary, the available evidence is currently insufficient to determine the role of this variant in disease. Therefore, it has been classified as a Variant of Uncertain Significance. This sequence change replaces glycine, which is neutral and non-polar, with aspartic acid, which is acidic and polar, at codon 256 of the BARD1 protein (p.Gly256Asp). This variant is not present in population databases (gnomAD no frequency). This variant has not been reported in the literature in individuals affected with BARD1-related conditions. ClinVar contains an entry for this variant (Variation ID: 2091703). Algorithms developed to predict the effect of missense changes on protein structure and function output the following: SIFT: "Not Available"; PolyPhen-2: "Benign"; Align-GVGD: "Not Available". The aspartic acid amino acid residue is found in multiple mammalian species, which suggests that this missense change does not adversely affect protein function.

NM_000465.4(BARD1):c.767G>A (p.Gly256Asp)

Gene: BARD1 (BRCA1 associated RING domain 1; minus strand). Cytogenetic location: 2q35.
Variant type: single nucleotide variant.
Coding change: c.767G>A on transcript NM_000465.4 (MANE Select); coding-DNA position 767, G replaced by A.
Protein change: p.Gly256Asp; replaces glycine 256 with aspartic acid.
Molecular consequence: missense variant. On other transcripts: non-coding transcript variant (2), intron variant (3).
Genome position (GRCh38, 1-based): chr2:214,781,107, C>T on the plus strand (G>A on the coding strand, the complement: BARD1 is on the minus strand). VCF-style: chr2-214781107-C-T. GRCh37 (hg19) VCF-style: chr2-215645831-C-T.
Other names: c.710G>A, p.Gly237Asp (NM_001282543.2); c.158+28305G>A (NM_001282548.2); c.215+15954G>A (NM_001282545.2); c.364+11190G>A (NM_001282549.2); c.767G>A (NM_000465.2); short protein forms G256D, G237D.
Identifiers: ClinVar variation 2091703 (VCV002091703.6), dbSNP rs2106110533, ClinGen allele CA350455939.